The following is an entry in ClinVar:

NC_000011.9:g.(?_117209303)_(117234242_?)dup

Gene: CEP164 (centrosomal protein 164; plus strand). Cytogenetic location: 11q23.3.
Variant type: Duplication.
Identifiers: ClinVar variation 2426023 (VCV002426023.4).

ClinVar aggregate classification (germline): Uncertain significance (1 of 4 stars; one submission).

Conditions:
Nephronophthisis 15 (NPHP15). Identifiers: Orphanet 3156, MedGen C3541853, MONDO:0013917, OMIM 614845.

Submission:

Labcorp Genetics (formerly Invitae), Labcorp
Classification: Uncertain significance for Nephronophthisis 15. Last evaluated: 2022-09-02. Review status: criteria provided, single submitter. Criteria: Invitae Variant Classification Sherloc (09022015). Collection method: clinical testing. Allele origin: germline.
Comment: In summary, the available evidence is currently insufficient to determine the role of this variant in disease. Therefore, it has been classified as a Variant of Uncertain Significance. This variant has not been reported in the literature in individuals affected with CEP164-related conditions. This variant results in a copy number gain of the genomic region encompassing exon(s) 3-8 of the CEP164 gene. This region includes the initiator codon of the gene. This copy number gain extends beyond the assayed region for this gene and therefore may encompass additional genes. As the precise location of this event is unknown, it may be in tandem or it may be located elsewhere in the genome.